The following is an entry in ClinVar:

ClinVar aggregate classification (germline): Uncertain significance (1 of 4 stars; one submission).

Conditions:
TNFRSF6B-related disorder. Also called: TNFRSF6B-related condition.

Allele frequency attached by ClinVar (database versions not stated): gnomAD exomes below 0.00001.

Submission:

PreventionGenetics, part of Exact Sciences
Classification: Uncertain significance for TNFRSF6B-related condition. Last evaluated: 2022-12-15. Review status: criteria provided, single submitter. Criteria: ACMG Guidelines, 2015. Collection method: clinical testing. Allele origin: germline.
Comment: The TNFRSF6B c.65T>C variant is predicted to result in the amino acid substitution p.Leu22Pro. To our knowledge, this variant has not been reported in the literature or in a large population database, indicating this variant is rare. At this time, the clinical significance of this variant is uncertain due to the absence of conclusive functional and genetic evidence.

NM_003823.4(TNFRSF6B):c.65T>C (p.Leu22Pro)

Genes: RTEL1-TNFRSF6B (RTEL1-TNFRSF6B readthrough (NMD candidate); plus strand), TNFRSF6B (TNF receptor superfamily member 6b; plus strand). Cytogenetic location: 20q13.33.
Variant type: single nucleotide variant.
Coding change: c.65T>C on transcript NM_003823.4 (MANE Select); coding-DNA position 65, T replaced by C.
Protein change: p.Leu22Pro; replaces leucine 22 with proline.
Molecular consequence: missense variant. On other transcripts: non-coding transcript variant (1).
Genome position (GRCh38, 1-based): chr20:63,696,832, T>C. VCF-style: chr20-63696832-T-C. GRCh37 (hg19) VCF-style: chr20-62328185-T-C.
Other names: short protein forms L22P.
Identifiers: ClinVar variation 2629665 (VCV002629665.1), dbSNP rs2517213834, ClinGen allele CA409710703.